The following is an entry in ClinVar:

NM_021628.3(ALOXE3):c.1595C>G (p.Pro532Arg)

Gene: ALOXE3 (arachidonate epidermal lipoxygenase 3; minus strand). Cytogenetic location: 17p13.1.
Variant type: single nucleotide variant.
Coding change: c.1595C>G on transcript NM_021628.3 (MANE Select); coding-DNA position 1595, C replaced by G.
Protein change: p.Pro532Arg; replaces proline 532 with arginine.
Molecular consequence: missense variant.
Genome position (GRCh38, 1-based): chr17:8,108,557, G>C on the plus strand (C>G on the coding strand, the complement: ALOXE3 is on the minus strand). VCF-style: chr17-8108557-G-C. GRCh37 (hg19) VCF-style: chr17-8011875-G-C.
Other names: c.1991C>G, p.Pro664Arg (NM_001165960.1); c.1592C>G, p.Pro531Arg (NM_001369446.1); short protein forms P664R, P532R, P531R.
Identifiers: ClinVar variation 1417935 (VCV001417935.6), dbSNP rs753331368, ClinGen allele CA8368026.

ClinVar aggregate classification (germline): Uncertain significance (1 of 4 stars; one submission).

Allele frequency attached by ClinVar (database versions not stated): gnomAD exomes below 0.00001 and 0.00001; ExAC 0.00001; TOPMed 0.00001; gnomAD 0.00002.
gnomAD v4.1: 10 of 1,612,940 alleles (0.00062%); highest among the groups gnomAD compares: Non-Finnish European, 0.00085%; no homozygotes.

Submission:

Labcorp Genetics (formerly Invitae), Labcorp
Classification: Uncertain significance. Last evaluated: 2022-11-08. Review status: criteria provided, single submitter. Criteria: Invitae Variant Classification Sherloc (09022015). Collection method: clinical testing. Allele origin: germline.
Comment: In summary, the available evidence is currently insufficient to determine the role of this variant in disease. Therefore, it has been classified as a Variant of Uncertain Significance. Advanced modeling of protein sequence and biophysical properties (such as structural, functional, and spatial information, amino acid conservation, physicochemical variation, residue mobility, and thermodynamic stability) performed at Invitae indicates that this missense variant is not expected to disrupt ALOXE3 protein function. ClinVar contains an entry for this variant (Variation ID: 1417935). This variant has not been reported in the literature in individuals affected with ALOXE3-related conditions. This variant is present in population databases (rs753331368, gnomAD 0.0009%). This sequence change replaces proline, which is neutral and non-polar, with arginine, which is basic and polar, at codon 532 of the ALOXE3 protein (p.Pro532Arg).